The following is an entry in ClinVar:

NM_004370.6(COL12A1):c.5230+7G>T

Gene: COL12A1 (collagen type XII alpha 1 chain; minus strand). Cytogenetic location: 6q13.
Variant type: single nucleotide variant.
Coding change: c.5230+7G>T on transcript NM_004370.6 (MANE Select); 7 bases into the intron after coding-DNA position 5230, G replaced by T.
Molecular consequence: intron variant.
Genome position (GRCh38, 1-based): chr6:75,138,441, C>A on the plus strand (G>T on the coding strand, the complement: COL12A1 is on the minus strand). VCF-style: chr6-75138441-C-A. GRCh37 (hg19) VCF-style: chr6-75848157-C-A.
Other names: c.1738+7G>T (NM_001424116.1, NM_080645.3); c.4957+7G>T (NM_001424115.1); c.5230+7G>T (NM_001424114.1, NM_001424113.1).
Identifiers: ClinVar variation 3349468 (VCV003349468.2).
Genomic context (GRCh38, chr6:75,138,441, plus strand): 5'-CTGTAGCCCTATTTTTTAAAAATTAACTTTAAAATATCAATGTCCTATTTGAAAGCTAAA[C>A]ACCTACGTGTGCGCTCACTGCCAATCAGGTCATCACTTTCTGACTCATCAGGATAGATGG-3'

ClinVar aggregate classification (germline): Likely benign. Review status: criteria provided, single submitter (1 of 4 stars). 2 submissions from 2 submitters: Likely benign (1). 1 of the submissions does not count toward it. Last evaluated 2025-12-15.

Conditions:
COL12A1-related disorder. Also called: COL12A1-related condition.
Ullrich congenital muscular dystrophy 2 (UCMD2). Identifiers: Orphanet 75840, MedGen C4225314, MONDO:0014654, OMIM 616470.
Bethlem myopathy 2 (BTHLM2). Identifiers: Orphanet 536516, Orphanet 610, MedGen C4225313, MONDO:0034022, OMIM 616471.

Submissions (2):

Labcorp Genetics (formerly Invitae), Labcorp
Classification: Likely benign for Bethlem myopathy 2; Ullrich congenital muscular dystrophy 2. Last evaluated: 2025-12-15. Review status: criteria provided, single submitter. Criteria: Invitae Variant Classification Sherloc (09022015). Collection method: clinical testing. Allele origin: germline.

PreventionGenetics, part of Exact Sciences
Classification: Likely benign for COL12A1-related condition. Last evaluated: 2024-03-29. Review status: no assertion criteria provided. Collection method: clinical testing. Allele origin: germline. Not counted in ClinVar's aggregate classification.
Comment: This variant is classified as likely benign based on ACMG/AMP sequence variant interpretation guidelines (Richards et al. 2015 PMID: 25741868, with internal and published modifications).